The following is an entry in ClinVar:

ClinVar aggregate classification (germline): Likely benign. Review status: criteria provided, multiple submitters, no conflicts (2 of 4 stars). 2 submissions from 2 submitters: Likely benign (2). Last evaluated 2025-08-21.

Allele frequency attached by ClinVar (database versions not stated): ExAC 0.00001; gnomAD exomes 0.00001; TOPMed 0.00001.
gnomAD v4.1: 17 of 1,614,170 alleles (0.0011%); highest among the groups gnomAD compares: African/African-American, 0.0053%; no homozygotes.

Submissions (2):

Labcorp Genetics (formerly Invitae), Labcorp
Classification: Likely benign. Last evaluated: 2025-08-21. Review status: criteria provided, single submitter. Criteria: Invitae Variant Classification Sherloc (09022015). Collection method: clinical testing. Allele origin: germline.

CeGaT Center for Human Genetics Tuebingen
Classification: Likely benign. Last evaluated: 2023-10-01. Review status: criteria provided, single submitter. Criteria: CeGaT Center For Human Genetics Tuebingen Variant Classification Criteria Version 2. Collection method: clinical testing. Allele origin: germline. Affected: yes. Observed: 1 variant allele.
Comment: RUSC2: BP4, BP7

NM_014806.5(RUSC2):c.3138C>T (p.Ala1046=)

Gene: RUSC2 (RUN and SH3 domain containing 2; plus strand). Cytogenetic location: 9p13.3.
Variant type: single nucleotide variant.
Coding change: c.3138C>T on transcript NM_014806.5 (MANE Select); coding-DNA position 3138, C replaced by T.
Protein change: p.Ala1046=; no amino-acid change (alanine 1046 retained).
Molecular consequence: synonymous variant. On other transcripts: non-coding transcript variant (1).
Genome position (GRCh38, 1-based): chr9:35,558,274, C>T. VCF-style: chr9-35558274-C-T. GRCh37 (hg19) VCF-style: chr9-35558271-C-T.
Other names: c.3138C>T, p.Ala1046= (NM_001135999.2); c.504C>T, p.Ala168= (NM_001330740.2).
Identifiers: ClinVar variation 2659177 (VCV002659177.27), dbSNP rs758387813, ClinGen allele CA5044066.
Genomic context (GRCh38, chr9:35,558,274, plus strand): 5'-TTCTGTGAGCCCCAATGTGGGCCACCTGGTTCTGAAGTACTTGTGCCCTGCCGTCCGCGC[C>T]GTGCTGGAGGATGGGCTCAAGGCCTTTGTACTGGACGTCATCATCGGGCAGCGTAAGAAC-3'
Protein context (NP_055621.2, residues 1036-1056): VLKYLCPAVR[Ala1046=]VLEDGLKAFV